The following is an entry in ClinVar:

NM_005612.5(REST):c.919G>C (p.Glu307Gln)

Gene: REST (RE1 silencing transcription factor; plus strand). Cytogenetic location: 4q12.
Variant type: single nucleotide variant.
Coding change: c.919G>C on transcript NM_005612.5 (MANE Select); coding-DNA position 919, G replaced by C.
Protein change: p.Glu307Gln; replaces glutamic acid 307 with glutamine.
Molecular consequence: missense variant.
Genome position (GRCh38, 1-based): chr4:56,919,807, G>C. VCF-style: chr4-56919807-G-C. GRCh37 (hg19) VCF-style: chr4-57785973-G-C.
Other names: c.919G>C, p.Glu307Gln (NM_001193508.2, NM_001363453.3); c.919G>C (NM_005612.4); short protein forms E307Q.
Identifiers: ClinVar variation 3021874 (VCV003021874.4), dbSNP rs757320743, ClinGen allele CA2932187.

ClinVar aggregate classification (germline): Uncertain significance. Review status: criteria provided, multiple submitters, no conflicts (2 of 4 stars). 2 submissions from 2 submitters: Uncertain significance (2). Last evaluated 2025-11-05.

Conditions:
Inborn genetic diseases. Identifiers: MedGen C0950123, MeSH D030342.

Allele frequency attached by ClinVar (database versions not stated): gnomAD exomes below 0.00001; ExAC 0.00001.
gnomAD v4.1: 7 of 1,607,204 alleles (0.00044%); highest among the groups gnomAD compares: Non-Finnish European, 0.00051%; no homozygotes.

Submissions (2):

Ambry Genetics
Classification: Uncertain significance for Inborn genetic diseases. Last evaluated: 2025-11-05. Review status: criteria provided, single submitter. Criteria: Ambry Variant Classification Scheme 2023. Collection method: clinical testing. Allele origin: germline.

Labcorp Genetics (formerly Invitae), Labcorp
Classification: Uncertain significance. Last evaluated: 2024-03-06. Review status: criteria provided, single submitter. Criteria: Invitae Variant Classification Sherloc (09022015). Collection method: clinical testing. Allele origin: germline.
Comment: This sequence change replaces glutamic acid, which is acidic and polar, with glutamine, which is neutral and polar, at codon 307 of the REST protein (p.Glu307Gln). This variant is present in population databases (rs757320743, gnomAD 0.0009%). This variant has not been reported in the literature in individuals affected with REST-related conditions. An algorithm developed to predict the effect of missense changes on protein structure and function (PolyPhen-2) suggests that this variant is likely to be disruptive. In summary, the available evidence is currently insufficient to determine the role of this variant in disease. Therefore, it has been classified as a Variant of Uncertain Significance.